The following is an entry in ClinVar:

NM_000444.6(PHEX):c.15_16del (p.Gly6fs)

Gene: PHEX (phosphate regulating endopeptidase X-linked; plus strand). Cytogenetic location: Xp22.11.
Variant type: Deletion.
Coding change: c.15_16del on transcript NM_000444.6 (MANE Select); coding-DNA positions 15 to 16, 2 bases deleted (AG; older notation c.15_16delAG).
Protein change: p.Gly6fs; shifts the reading frame from glycine 6.
Molecular consequence: frameshift variant.
Genome position (GRCh38, 1-based): chrX:22,033,020-22,033,021, AG deleted. VCF-style (leftmost placement, unchanged base first): chrX-22033019-CAG-C. GRCh37 (hg19) VCF-style: chrX-22051137-CAG-C.
Other names: c.15_16del, p.Gly6fs (NM_001282754.2); short protein forms G6fs.
Identifiers: ClinVar variation 586223 (VCV000586223.10), dbSNP rs1569364701, ClinGen allele CA891844192.

ClinVar aggregate classification (germline): Pathogenic. Review status: criteria provided, multiple submitters, no conflicts (2 of 4 stars). 3 submissions from 3 submitters: Pathogenic (3). Last evaluated 2026-01-17.

Conditions:
Hypophosphataemia or rickets.

Submissions (3):

Labcorp Genetics (formerly Invitae), Labcorp
Classification: Pathogenic. Last evaluated: 2026-01-17. Review status: criteria provided, single submitter. Criteria: Invitae Variant Classification Sherloc (09022015). Collection method: clinical testing. Allele origin: germline.
Comment: This sequence change creates a premature translational stop signal (p.Gly6Glufs*44) in the PHEX gene. It is expected to result in an absent or disrupted protein product. Loss-of-function variants in PHEX are known to be pathogenic (PMID: 9097956, 9106524, 19219621). This variant is not present in population databases (gnomAD no frequency). This premature translational stop signal has been observed in individuals with hypophosphatemia (PMID: 22695891, 30682568). ClinVar contains an entry for this variant (Variation ID: 586223). For these reasons, this variant has been classified as Pathogenic.

Cambridge Genomics Laboratory, East Genomic Laboratory Hub, NHS Genomic Medicine Service
Classification: Pathogenic for Hypophosphataemia or rickets. Last evaluated: 2025-09-03. Review status: criteria provided, single submitter. Criteria: ACGS Best Practice Guidelines for Variant Classification in Rare Disease 2020. Collection method: clinical testing. Allele origin: germline. Affected: yes.
Comment: PVS1_Strong,PS4,PM2

Athena Diagnostics
Classification: Pathogenic. Last evaluated: 2018-08-13. Review status: criteria provided, single submitter. Criteria: Athena Diagnostics Criteria. Collection method: clinical testing. Allele origin: germline.

Literature cited by the submitters: PubMed 9097956 (cited by Labcorp Genetics (formerly Invitae), Labcorp); PubMed 9106524 (cited by Labcorp Genetics (formerly Invitae), Labcorp); PubMed 19219621 (cited by Labcorp Genetics (formerly Invitae), Labcorp); PubMed 22695891 (cited by Labcorp Genetics (formerly Invitae), Labcorp and Athena Diagnostics); PubMed 30682568 (cited by Labcorp Genetics (formerly Invitae), Labcorp).